The following is an entry in ClinVar:

NM_000152.5(GAA):c.1552-2A>G

Gene: GAA (alpha glucosidase; plus strand). Cytogenetic location: 17q25.3.
Variant type: single nucleotide variant.
Coding change: c.1552-2A>G on transcript NM_000152.5 (MANE Select); the canonical splice acceptor site of the intron before coding-DNA position 1552, A replaced by G.
Molecular consequence: splice acceptor variant.
Genome position (GRCh38, 1-based): chr17:80,110,939, A>G. VCF-style: chr17-80110939-A-G. GRCh37 (hg19) VCF-style: chr17-78084738-A-G.
Other names: c.1552-2A>G (NM_001406741.1, NM_001406742.1, NM_001079803.3 and 1 more transcripts).
Identifiers: ClinVar variation 550010 (VCV000550010.8), dbSNP rs1555600846, ClinGen allele CA401367171.

ClinVar aggregate classification (germline): Likely pathogenic. Review status: reviewed by expert panel (3 of 4 stars). 4 submissions from 4 submitters: Likely pathogenic (1). 3 of the submissions do not count toward it. Last evaluated 2026-04-24.

Conditions:
Glycogen storage disease, type II (IOPD). Also called: Glycogen storage disease type 2; Acid maltase deficiency disease; Aglucosidase alfa; Deficiency of alpha-glucosidase; Deficiency of lysosomal alpha-glucosidase; POMPE DISEASE, INFANTILE-ONSET. Identifiers: Orphanet 365, MedGen C0017921, MONDO:0009290, OMIM 232300.

Submissions (4):

ClinGen Lysosomal Storage Disorder Variant Curation Expert Panel
Classification: Likely pathogenic for Glycogen storage disease, type II. Last evaluated: 2026-04-24. Review status: reviewed by expert panel. Criteria: clingen_lsd_acmg_specifications_v2-1. Collection method: curation. Allele origin: germline. Inheritance: Autosomal recessive inheritance.
Comment: The NM_000152.5:c.1522-2A>G variant in GAA occurs within the canonical splice donor site of intron 10. It is predicted to cause skipping of biologically-relevant-exon 10/20, resulting in a frameshift leading to nonsense mediated decay in a gene in which loss-of-function is an established disease mechanism (PVS1). There is a variant c.1522-2A>C at the same nucleotide position with same predicted impact classified as pathogenic for Pompe disease by the ClinGen Lysosomal Diseases VCEP (Variation ID: 2440386) (PS1_Supporting). This variant is absent in gnomAD v4.1.0 (PM2_Supporting). There is a ClinVar entry for this variant (Variation ID: 550010. While this variant meets the criteria to be classified as pathogenic for Pompe disease, the classification has been downgraded to likely pathogenic due to lack of any reports on an affected individuals with this variant or any functional or RT-PCR data.. GAA-specific ACMG/AMP criteria met, as specified by the ClinGen Lysosomal Diseases Variant Curation Expert Panel (Specifications Version 2.0.0): PVS1, PS1_Supporting, PM2_Supporting; modified classification - likely pathogenic). (Classification approved by the ClinGen Lysosomal Diseases Variant Curation Expert Pane on April 24, 2026)

Genomenon, Inc
Classification: Pathogenic for Glycogen storage disease, type II. Last evaluated: 2026-07-01. Review status: criteria provided, single submitter. Criteria: Genomenon Sequence Variant Interpretation Standards - Updated. Collection method: curation. Allele origin: germline. Affected: yes. Not counted in ClinVar's aggregate classification.
Comment: GAA c.1552-2A>G is a canonical splice variant affecting the acceptor splice site of intron 10. It is predicted to affect mRNA splicing, leading to a deleterious effect on the GAA protein. This variant has been observed in at least one proband with a GAA-related disorder (PMID:33301762). It is absent or not present at a significant frequency in gnomAD. In conclusion, we classify GAA c.1552-2A>G as a pathogenic variant.

Labcorp Genetics (formerly Invitae), Labcorp
Classification: Pathogenic for Glycogen storage disease, type II. Last evaluated: 2023-06-16. Review status: criteria provided, single submitter. Criteria: Invitae Variant Classification Sherloc (09022015). Collection method: clinical testing. Allele origin: germline. Not counted in ClinVar's aggregate classification.
Comment: For these reasons, this variant has been classified as Pathogenic. Algorithms developed to predict the effect of sequence changes on RNA splicing suggest that this variant may disrupt the consensus splice site. ClinVar contains an entry for this variant (Variation ID: 550010). Disruption of this splice site has been observed in individual(s) with Pompe disease (PMID: 33301762). This variant is not present in population databases (gnomAD no frequency). This sequence change affects an acceptor splice site in intron 10 of the GAA gene. It is expected to disrupt RNA splicing. Variants that disrupt the donor or acceptor splice site typically lead to a loss of protein function (PMID: 16199547), and loss-of-function variants in GAA are known to be pathogenic (PMID: 18425781, 22252923).

Counsyl
Classification: Likely pathogenic for Glycogen storage disease, type II. Last evaluated: 2017-10-04. Review status: no assertion criteria provided. Collection method: clinical testing. Allele origin: unknown. Not counted in ClinVar's aggregate classification.

Literature cited by the submitters: PubMed 33301762 (cited by Genomenon, Inc and Labcorp Genetics (formerly Invitae), Labcorp); PubMed 16199547 (cited by Labcorp Genetics (formerly Invitae), Labcorp); PubMed 18425781 (cited by Labcorp Genetics (formerly Invitae), Labcorp); PubMed 22252923 (cited by Labcorp Genetics (formerly Invitae), Labcorp).